The following is an entry in ClinVar:

ClinVar aggregate classification (germline): Conflicting classifications of pathogenicity. Review status: criteria provided, conflicting classifications (1 of 4 stars). 4 submissions from 4 submitters: Uncertain significance (2); Likely benign (2). Last evaluated 2025-01-02.

Conditions:
Benign neonatal seizures. Also called: Benign familial neonatal epilepsy; Benign familial neonatal seizures; Benign neonatal familial convulsions; Convulsions benign familial neonatal dominant form; Autosomal dominant form of benign neonatal seizures. Identifiers: Orphanet 1949, MedGen C0220669, MONDO:0016027.
Inborn genetic diseases. Identifiers: MedGen C0950123, MeSH D030342.
Seizures, benign familial neonatal, 2. Also called: Benign Neonatal Epilepsy 2; Seizures, benign neonatal, 2; CONVULSIONS, BENIGN FAMILIAL NEONATAL, 2; KCNQ3-Related Benign Familial Neonatal Epilepsy; KCNQ3-Related Self-Limited Familial Neonatal Epilepsy (SLFNE). Identifiers: Orphanet 1949, MedGen C1852581, MONDO:0007366, OMIM 121201.

Allele frequency attached by ClinVar (database versions not stated): ESP Exome Variant Server 0.00008; 1000 Genomes Project 30x 0.00016; ExAC 0.00002; gnomAD 0.00004; TOPMed 0.00005.
gnomAD v4.1: 71 of 1,613,612 alleles (0.0044%); highest among the groups gnomAD compares: South Asian, 0.018%; no homozygotes.

Submissions (4):

Labcorp Genetics (formerly Invitae), Labcorp
Classification: Uncertain significance for Benign neonatal seizures. Last evaluated: 2025-01-02. Review status: criteria provided, single submitter. Criteria: Invitae Variant Classification Sherloc (09022015). Collection method: clinical testing. Allele origin: germline.
Comment: This sequence change replaces valine, which is neutral and non-polar, with isoleucine, which is neutral and non-polar, at codon 406 of the KCNQ3 protein (p.Val406Ile). This variant is present in population databases (rs144474368, gnomAD 0.02%). This variant has not been reported in the literature in individuals affected with KCNQ3-related conditions. ClinVar contains an entry for this variant (Variation ID: 205969). Invitae Evidence Modeling of protein sequence and biophysical properties (such as structural, functional, and spatial information, amino acid conservation, physicochemical variation, residue mobility, and thermodynamic stability) indicates that this missense variant is not expected to disrupt KCNQ3 protein function with a negative predictive value of 95%. In summary, the available evidence is currently insufficient to determine the role of this variant in disease. Therefore, it has been classified as a Variant of Uncertain Significance.

Ambry Genetics
Classification: Likely benign for Inborn genetic diseases. Last evaluated: 2023-03-17. Review status: criteria provided, single submitter. Criteria: Ambry Variant Classification Scheme 2023. Collection method: clinical testing. Allele origin: germline.

GeneDx
Classification: Likely benign. Last evaluated: 2018-11-08. Review status: criteria provided, single submitter. Criteria: GeneDx Variant Classification Process June 2021. Collection method: clinical testing. Allele origin: germline. Affected: yes.

Illumina Laboratory Services, Illumina
Classification: Uncertain significance for Seizures, benign familial neonatal, 2. Last evaluated: 2018-01-13. Review status: criteria provided, single submitter. Criteria: ICSL Variant Classification Criteria 13 December 2019. Collection method: clinical testing. Allele origin: germline.

NM_004519.4(KCNQ3):c.1216G>A (p.Val406Ile)

Gene: KCNQ3 (potassium voltage-gated channel subfamily Q member 3; minus strand). Cytogenetic location: 8q24.22.
Variant type: single nucleotide variant.
Coding change: c.1216G>A on transcript NM_004519.4 (MANE Select); coding-DNA position 1216, G replaced by A.
Protein change: p.Val406Ile; replaces valine 406 with isoleucine.
Molecular consequence: missense variant.
Genome position (GRCh38, 1-based): chr8:132,170,353, C>T on the plus strand (G>A on the coding strand, the complement: KCNQ3 is on the minus strand). VCF-style: chr8-132170353-C-T. GRCh37 (hg19) VCF-style: chr8-133182600-C-T.
Other names: p.V406I:GTC>ATC; c.856G>A, p.Val286Ile (NM_001204824.2); short protein forms V406I, V286I.
Identifiers: ClinVar variation 205969 (VCV000205969.16), dbSNP rs144474368, ClinGen allele CA315605.
Genomic context (GRCh38, chr8:132,170,353, plus strand): 5'-GGCTGGTCACGCCCTGAGCATTCAGGTGAGTCCCCACTTGCCTGAAGAAAGGAAAAGAGA[C>T]GACTGATTCATAAAATCTCCATGTCGCCACCAGGTCAATCCTGTTGGGGTTGGTAGCATA-3'
Protein context (NP_004510.1, residues 396-416): VATWRFYESV[Val406Ile]SFPFFRKEQL